The following is an entry in ClinVar:

NM_006231.4(POLE):c.1189T>C (p.Tyr397His)

Gene: POLE (DNA polymerase epsilon, catalytic subunit; minus strand). Cytogenetic location: 12q24.33.
Variant type: single nucleotide variant.
Coding change: c.1189T>C on transcript NM_006231.4 (MANE Select); coding-DNA position 1189, T replaced by C.
Protein change: p.Tyr397His; replaces tyrosine 397 with histidine.
Molecular consequence: missense variant.
Genome position (GRCh38, 1-based): chr12:132,675,435, A>G on the plus strand (T>C on the coding strand, the complement: POLE is on the minus strand). VCF-style: chr12-132675435-A-G. GRCh37 (hg19) VCF-style: chr12-133252021-A-G.
Other names: c.1189T>C (NM_006231.2); short protein forms Y397H.
Identifiers: ClinVar variation 1363341 (VCV001363341.10), dbSNP rs1593076756, ClinGen allele CA387360829.

ClinVar aggregate classification (germline): Uncertain significance. Review status: criteria provided, multiple submitters, no conflicts (2 of 4 stars). 2 submissions from 2 submitters: Uncertain significance (2). Last evaluated 2025-05-05.

Conditions:
Hereditary cancer-predisposing syndrome. Also called: Neoplastic Syndromes, Hereditary; Tumor predisposition; Hereditary neoplastic syndrome; Hereditary Cancer Syndrome. Identifiers: Orphanet 140162, MedGen C0027672, MeSH D009386, MONDO:0015356.

Allele frequency attached by ClinVar (database versions not stated): gnomAD exomes below 0.00001.
gnomAD v4.1: 3 of 1,613,264 alleles (0.00019%); highest among the groups gnomAD compares: African/African-American, 0.004%; no homozygotes.

Submissions (2):

Ambry Genetics
Classification: Uncertain significance for Hereditary cancer-predisposing syndrome. Last evaluated: 2025-05-05. Review status: criteria provided, single submitter. Criteria: Ambry Variant Classification Scheme 2023. Collection method: clinical testing. Allele origin: germline.

Labcorp Genetics (formerly Invitae), Labcorp
Classification: Uncertain significance. Last evaluated: 2022-12-16. Review status: criteria provided, single submitter. Criteria: Invitae Variant Classification Sherloc (09022015). Collection method: clinical testing. Allele origin: germline.
Comment: This sequence change replaces tyrosine, which is neutral and polar, with histidine, which is basic and polar, at codon 397 of the POLE protein (p.Tyr397His). This variant is not present in population databases (gnomAD no frequency). This variant has not been reported in the literature in individuals affected with POLE-related conditions. ClinVar contains an entry for this variant (Variation ID: 1363341). Advanced modeling of protein sequence and biophysical properties (such as structural, functional, and spatial information, amino acid conservation, physicochemical variation, residue mobility, and thermodynamic stability) performed at Invitae indicates that this missense variant is expected to disrupt POLE protein function. In summary, the available evidence is currently insufficient to determine the role of this variant in disease. Therefore, it has been classified as a Variant of Uncertain Significance.